The following is an entry in ClinVar:

NM_000492.4(CFTR):c.3718-5_3725del

Genes: CFTR (CF transmembrane conductance regulator; plus strand), CFTR-AS2 (CFTR antisense RNA 2; minus strand). Cytogenetic location: 7q31.2.
Variant type: Deletion.
Coding change: c.3718-5_3725del on transcript NM_000492.4 (MANE Select); 5 bases into the intron before coding-DNA position 3718 through coding-DNA position 3725, 13 bases deleted (TATAGGTGGGCCT).
Molecular consequence: splice acceptor variant.
Genome position (GRCh38, 1-based): chr7:117,642,433-117,642,445, TATAGGTGGGCCT deleted; deleting any 13 consecutive bases within chr7:117,642,430-117,642,445 gives the same sequence; the c. name uses the placement nearest the transcript's 3' end. VCF-style (leftmost placement, unchanged base first): chr7-117642429-ACCTTATAGGTGGG-A. GRCh37 (hg19) VCF-style: chr7-117282483-ACCTTATAGGTGGG-A.
Identifiers: ClinVar variation 1065980 (VCV001065980.7), dbSNP rs2116166586, ClinGen allele CA2499218698.

ClinVar aggregate classification (germline): Likely pathogenic (1 of 4 stars; one submission).

Conditions:
Cystic fibrosis (CF). Also called: MUCOVISCIDOSIS. Identifiers: Orphanet 586, MedGen C0010674, MONDO:0009061, OMIM 219700. Disease mechanism: loss of function.

Submission:

Labcorp Genetics (formerly Invitae), Labcorp
Classification: Likely pathogenic for Cystic fibrosis. Last evaluated: 2020-09-22. Review status: criteria provided, single submitter. Criteria: Invitae Variant Classification Sherloc (09022015). Collection method: clinical testing. Allele origin: germline.
Comment: This variant results in the deletion of part of exon 23 (c.3718-5_3725del) of the CFTR gene. It is expected to disrupt RNA splicing and likely results in an absent or disrupted protein product. In summary, the currently available evidence indicates that the variant is pathogenic, but additional data are needed to prove that conclusively. Therefore, this variant has been classified as Likely Pathogenic. Loss-of-function variants in CFTR are known to be pathogenic (PMID: 1695717, 7691345, 9725922). This variant has not been reported in the literature in individuals with CFTR-related conditions. This variant is not present in population databases (ExAC no frequency).

Literature cited by the submitters: PubMed 1695717; PubMed 7691345; PubMed 9725922.